The following is an entry in ClinVar:

NM_006343.3(MERTK):c.401G>A (p.Gly134Glu)

Gene: MERTK (MER proto-oncogene, tyrosine kinase; plus strand). Cytogenetic location: 2q13.
Variant type: single nucleotide variant.
Coding change: c.401G>A on transcript NM_006343.3 (MANE Select); coding-DNA position 401, G replaced by A.
Protein change: p.Gly134Glu; replaces glycine 134 with glutamic acid.
Molecular consequence: missense variant.
Genome position (GRCh38, 1-based): chr2:111,929,459, G>A. VCF-style: chr2-111929459-G-A. GRCh37 (hg19) VCF-style: chr2-112687036-G-A.
Other names: short protein forms G134E.
Identifiers: ClinVar variation 4990535 (VCV004990535.1).

ClinVar aggregate classification (germline): Uncertain significance (1 of 4 stars; one submission).

Conditions:
MERTK-related disorder. Also called: MERTK-related condition.

gnomAD v4.1: 48 of 1,613,894 alleles (0.003%); highest among the groups gnomAD compares: South Asian, 0.051%; 1 homozygote.

Submission:

PreventionGenetics, part of Exact Sciences
Classification: Uncertain significance for MERTK-related condition. Last evaluated: 2026-09-06. Review status: criteria provided, single submitter. Criteria: ACMG Guidelines, 2015. Collection method: clinical testing. Allele origin: germline.
Comment: The MERTK c.401G>A variant is predicted to result in the amino acid substitution p.Gly134Glu. To our knowledge, this variant has not been reported in the literature. This variant is reported in 0.039% of alleles in individuals of South Asian descent in gnomAD. At this time, the clinical significance of this variant is uncertain due to the absence of conclusive functional and genetic evidence.